The following is an entry in ClinVar:

NM_021830.5(TWNK):c.29C>A (p.Pro10His)

Gene: TWNK (twinkle mtDNA helicase; plus strand). Cytogenetic location: 10q24.31.
Variant type: single nucleotide variant.
Coding change: c.29C>A on transcript NM_021830.5 (MANE Select); coding-DNA position 29, C replaced by A.
Protein change: p.Pro10His; replaces proline 10 with histidine.
Molecular consequence: missense variant. On other transcripts: non-coding transcript variant (4), intron variant (3).
Genome position (GRCh38, 1-based): chr10:100,988,239, C>A. VCF-style: chr10-100988239-C-A. GRCh37 (hg19) VCF-style: chr10-102747996-C-A.
Other names: c.29C>A, p.Pro10His (NM_001163812.2); c.-120+626C>A (NM_001163814.2, NM_001163813.2); c.-58+626C>A (NM_001368275.1); short protein forms P10H.
Identifiers: ClinVar variation 2906438 (VCV002906438.3), dbSNP rs777222632, ClinGen allele CA5653005.
Genomic context (GRCh38, chr10:100,988,239, plus strand): 5'-TTCAAGTAGTGACTTCCCACATTTGGCTAGGAATGTGGGTCCTCCTCCGAAGTGGGTACC[C>A]CCTCCGTATCTTGTTACCCCTGCGTGGGGAGTGGATGGGTCGGAGGGGCCTGCCCCGAAA-3'
Protein context (NP_068602.2, residues 1-20): MWVLLRSGY[Pro10His]LRILLPLRGE

ClinVar aggregate classification (germline): Uncertain significance (1 of 4 stars; one submission).

Allele frequency attached by ClinVar (database versions not stated): TOPMed below 0.00001; ExAC 0.00001; gnomAD 0.00001.

Submission:

Labcorp Genetics (formerly Invitae), Labcorp
Classification: Uncertain significance. Last evaluated: 2024-05-31. Review status: criteria provided, single submitter. Criteria: Invitae Variant Classification Sherloc (09022015). Collection method: clinical testing. Allele origin: germline.
Comment: This sequence change replaces proline, which is neutral and non-polar, with histidine, which is basic and polar, at codon 10 of the TWNK protein (p.Pro10His). This variant is present in population databases (rs777222632, gnomAD 0.006%). This variant has not been reported in the literature in individuals affected with TWNK-related conditions. Advanced modeling of protein sequence and biophysical properties (such as structural, functional, and spatial information, amino acid conservation, physicochemical variation, residue mobility, and thermodynamic stability) performed at Invitae indicates that this missense variant is not expected to disrupt TWNK protein function with a negative predictive value of 95%. In summary, the available evidence is currently insufficient to determine the role of this variant in disease. Therefore, it has been classified as a Variant of Uncertain Significance.